The following is an entry in ClinVar:

ClinVar aggregate classification (germline): Conflicting classifications of pathogenicity. Review status: criteria provided, conflicting classifications (1 of 4 stars). 2 submissions from 2 submitters: Uncertain significance (1); Likely benign (1). Last evaluated 2024-12-28.

Conditions:
Inborn genetic diseases. Identifiers: MedGen C0950123, MeSH D030342.

gnomAD v4.1: 13 of 1,613,380 alleles (0.00081%); highest among the groups gnomAD compares: African/African-American, 0.015%; no homozygotes.

Submissions (2):

GeneDx
Classification: Uncertain significance. Last evaluated: 2024-12-28. Review status: criteria provided, single submitter. Criteria: GeneDx Variant Classification Process June 2021. Collection method: clinical testing. Allele origin: germline. Affected: yes.
Comment: In silico analysis indicates that this missense variant does not alter protein structure/function; Has not been previously published as pathogenic or benign to our knowledge

Ambry Genetics
Classification: Likely benign for Inborn genetic diseases. Last evaluated: 2024-11-06. Review status: criteria provided, single submitter. Criteria: Ambry Variant Classification Scheme 2023. Collection method: clinical testing. Allele origin: germline.

NM_015192.4(PLCB1):c.2590G>A (p.Val864Met)

Gene: PLCB1 (phospholipase C beta 1; plus strand). Cytogenetic location: 20p12.3.
Variant type: single nucleotide variant.
Coding change: c.2590G>A on transcript NM_015192.4 (MANE Select); coding-DNA position 2590, G replaced by A.
Protein change: p.Val864Met; replaces valine 864 with methionine.
Molecular consequence: missense variant.
Genome position (GRCh38, 1-based): chr20:8,757,112, G>A. VCF-style: chr20-8757112-G-A. GRCh37 (hg19) VCF-style: chr20-8737759-G-A.
Other names: c.2590G>A, p.Val864Met (NM_182734.3); short protein forms V864M.
Identifiers: ClinVar variation 3419927 (VCV003419927.2).